The following is an entry in ClinVar:

ClinVar aggregate classification (germline): Uncertain significance (1 of 4 stars; one submission).

gnomAD v4.1: 2 of 1,613,208 alleles (0.00012%); highest among the groups gnomAD compares: African/African-American, 0.0027%; no homozygotes.

Submission:

GeneDx
Classification: Uncertain significance. Last evaluated: 2023-06-07. Review status: criteria provided, single submitter. Criteria: GeneDx Variant Classification Process June 2021. Collection method: clinical testing. Allele origin: germline. Affected: yes.
Comment: Located in the 3'UTR regulatory region; Has not been previously published as pathogenic or benign to our knowledge; Regulatory variants have not been reported in the Human Gene Mutation Database in individuals with KMT2A-related disorders (HGMD)

NM_001197104.2(KMT2A):c.*4T>G

Genes: KMT2A (lysine methyltransferase 2A; plus strand), TTC36-AS1 (TTC36 and KMT2A antisense RNA 1; minus strand). Cytogenetic location: 11q23.3.
Variant type: single nucleotide variant.
Coding change: c.*4T>G on transcript NM_001197104.2 (MANE Select); 4 bases downstream of the stop codon, T replaced by G.
Molecular consequence: 3 prime UTR variant.
Genome position (GRCh38, 1-based): chr11:118,522,176, T>G. VCF-style: chr11-118522176-T-G. GRCh37 (hg19) VCF-style: chr11-118392891-T-G.
Other names: c.*4T>G (NM_001412597.1, NM_005933.4).
Identifiers: ClinVar variation 3359434 (VCV003359434.1).
Genomic context (GRCh38, chr11:118,522,176, plus strand): 5'-AGCAACAAGCTGCCCTGCAACTGTGGCGCCAAGAAATGCCGGAAGTTCCTAAACTAAAGC[T>G]GCTCTTCTCCCCCAGTGTTGGAGTGCAAGGAGGCGGGGCCATCCAAAGCAACGCTGAAGG-3'